The following is an entry in ClinVar:

NM_001378454.1(ALMS1):c.11790A>C (p.Glu3930Asp)

Gene: ALMS1 (ALMS1 centrosome and basal body associated protein; plus strand). Cytogenetic location: 2p13.1.
Variant type: single nucleotide variant.
Coding change: c.11790A>C on transcript NM_001378454.1 (MANE Select); coding-DNA position 11790, A replaced by C.
Protein change: p.Glu3930Asp; replaces glutamic acid 3930 with aspartic acid.
Molecular consequence: missense variant.
Genome position (GRCh38, 1-based): chr2:73,600,799, A>C. VCF-style: chr2-73600799-A-C. GRCh37 (hg19) VCF-style: chr2-73827926-A-C.
Other names: c.11793A>C, p.Glu3931Asp (NM_015120.4); short protein forms E3930D, E3931D.
Identifiers: ClinVar variation 4993001 (VCV004993001.1).
Genomic context (GRCh38, chr2:73,600,799, plus strand): 5'-AACTCCAAGTTCCAGCGAGGCTAAATTGGAAGAGAACAGTGATGTGACTTCTTGGTCAGA[A>C]GAAAAACGTGAAGAGAAAATGCTCTTTACCGGTTATCCTGAGGACAGAAAGTTAAAAAAG-3'
Protein context (NP_001365383.1, residues 3920-3940): EENSDVTSWS[Glu3930Asp]EKREEKMLFT

ClinVar aggregate classification (germline): Uncertain significance (1 of 4 stars; one submission).

Conditions:
ALMS1-related disorder. Also called: ALMS1-related condition.

Submission:

PreventionGenetics, part of Exact Sciences
Classification: Uncertain significance for ALMS1-related condition. Last evaluated: 2026-06-03. Review status: criteria provided, single submitter. Criteria: ACMG Guidelines, 2015. Collection method: clinical testing. Allele origin: germline.
Comment: The ALMS1 c.11793A>C variant is predicted to result in the amino acid substitution p.Lys3931Asn. To our knowledge, this variant has not been reported in the literature or in a large population database (gnomAD), indicating this variant is rare. At this time, the clinical significance of this variant is uncertain due to the absence of conclusive functional and genetic evidence.